The following is an entry in ClinVar:

ClinVar aggregate classification (germline): Uncertain significance (1 of 4 stars; one submission).

gnomAD v4.1: 1 of 1,611,414 alleles (0.000062%); highest among the groups gnomAD compares: Non-Finnish European, 0.000085%; no homozygotes.

Submission:

GeneDx
Classification: Uncertain significance. Last evaluated: 2024-10-15. Review status: criteria provided, single submitter. Criteria: GeneDx Variant Classification Process June 2021. Collection method: clinical testing. Allele origin: germline. Affected: yes.
Comment: Not observed at significant frequency in large population cohorts (gnomAD); In silico analysis indicates that this missense variant does not alter protein structure/function; Has not been previously published as pathogenic or benign to our knowledge

NM_001162501.2(TNRC6B):c.4358G>C (p.Gly1453Ala)

Gene: TNRC6B (trinucleotide repeat containing adaptor 6B; plus strand). Cytogenetic location: 22q13.1.
Variant type: single nucleotide variant.
Coding change: c.4358G>C on transcript NM_001162501.2 (MANE Select); coding-DNA position 4358, G replaced by C.
Protein change: p.Gly1453Ala; replaces glycine 1453 with alanine.
Molecular consequence: missense variant.
Genome position (GRCh38, 1-based): chr22:40,310,916, G>C. VCF-style: chr22-40310916-G-C. GRCh37 (hg19) VCF-style: chr22-40706920-G-C.
Other names: c.1946G>C, p.Gly649Ala (NM_001024843.2); c.4028G>C, p.Gly1343Ala (NM_015088.3); short protein forms G1343A, G1453A, G649A.
Identifiers: ClinVar variation 3781147 (VCV003781147.1).
Genomic context (GRCh38, chr22:40,310,916, plus strand): 5'-CGTACAACCAGTTTGATATCATCCCTGGTGACACACTGGGTGGCCATACGGGTCCTGCTG[G>C]TGATAGCTGGTTACCTGCCAAATCTCCACCAACAAATAAAATCGGAAGTAAATCCAGCAA-3'
Protein context (NP_001155973.1, residues 1443-1463): DTLGGHTGPA[Gly1453Ala]DSWLPAKSPP